The following is an entry in ClinVar:

NM_006206.6(PDGFRA):c.2287G>A (p.Asp763Asn)

Gene: PDGFRA (platelet derived growth factor receptor alpha; plus strand). Cytogenetic location: 4q12.
Variant type: single nucleotide variant.
Coding change: c.2287G>A on transcript NM_006206.6 (MANE Select); coding-DNA position 2287, G replaced by A.
Protein change: p.Asp763Asn; replaces aspartic acid 763 with asparagine.
Molecular consequence: missense variant.
Genome position (GRCh38, 1-based): chr4:54,280,446, G>A. VCF-style: chr4-54280446-G-A. GRCh37 (hg19) VCF-style: chr4-55146613-G-A.
Other names: c.2287G>A, p.Asp763Asn (NM_001347827.2, NM_001347829.2); c.2362G>A, p.Asp788Asn (NM_001347828.2); c.2326G>A, p.Asp776Asn (NM_001347830.2); short protein forms D788N, D763N, D776N.
Identifiers: ClinVar variation 1789031 (VCV001789031.5), dbSNP rs1724013488, ClinGen allele CA356894482.

ClinVar aggregate classification (germline): Uncertain significance. Review status: criteria provided, multiple submitters, no conflicts (2 of 4 stars). 2 submissions from 2 submitters: Uncertain significance (2). Last evaluated 2024-07-02.

Conditions:
Hereditary cancer-predisposing syndrome. Also called: Neoplastic Syndromes, Hereditary; Tumor predisposition; Hereditary Cancer Syndrome; Hereditary neoplastic syndrome. Identifiers: Orphanet 140162, MedGen C0027672, MeSH D009386, MONDO:0015356.
Gastrointestinal stromal tumor. Also called: Gastrointestinal stromal tumor, somatic; Gastrointestinal stroma tumor. Identifiers: Orphanet 44890, MedGen C0238198, MeSH D046152, MONDO:0011719, OMIM 606764, HP:0100723.

gnomAD v4.1: 1 of 1,613,874 alleles (0.000062%); highest among the groups gnomAD compares: African/African-American, 0.0013%; no homozygotes.

Submissions (2):

Labcorp Genetics (formerly Invitae), Labcorp
Classification: Uncertain significance for Gastrointestinal stromal tumor. Last evaluated: 2024-07-02. Review status: criteria provided, single submitter. Criteria: Invitae Variant Classification Sherloc (09022015). Collection method: clinical testing. Allele origin: germline.
Comment: This sequence change replaces aspartic acid, which is acidic and polar, with asparagine, which is neutral and polar, at codon 763 of the PDGFRA protein (p.Asp763Asn). This variant is not present in population databases (gnomAD no frequency). This variant has not been reported in the literature in individuals affected with PDGFRA-related conditions. ClinVar contains an entry for this variant (Variation ID: 1789031). Advanced modeling of protein sequence and biophysical properties (such as structural, functional, and spatial information, amino acid conservation, physicochemical variation, residue mobility, and thermodynamic stability) performed at Invitae indicates that this missense variant is not expected to disrupt PDGFRA protein function with a negative predictive value of 80%. In summary, the available evidence is currently insufficient to determine the role of this variant in disease. Therefore, it has been classified as a Variant of Uncertain Significance.

Ambry Genetics
Classification: Uncertain significance for Hereditary cancer-predisposing syndrome. Last evaluated: 2022-10-03. Review status: criteria provided, single submitter. Criteria: Ambry Variant Classification Scheme 2023. Collection method: clinical testing. Allele origin: germline.
Comment: The p.D763N variant (also known as c.2287G>A), located in coding exon 15 of the PDGFRA gene, results from a G to A substitution at nucleotide position 2287. The aspartic acid at codon 763 is replaced by asparagine, an amino acid with highly similar properties. This amino acid position is conserved. In addition, this alteration is predicted to be tolerated by in silico analysis. Since supporting evidence is limited at this time, the clinical significance of this alteration remains unclear.